The following is an entry in ClinVar:

NM_020207.7(ERCC6L2):c.715G>C (p.Val239Leu)

Gene: ERCC6L2 (ERCC excision repair 6 like 2; plus strand). Cytogenetic location: 9q22.32.
Variant type: single nucleotide variant.
Coding change: c.715G>C on transcript NM_020207.7 (MANE Select); coding-DNA position 715, G replaced by C.
Protein change: p.Val239Leu; replaces valine 239 with leucine.
Molecular consequence: missense variant. On other transcripts: non-coding transcript variant (1).
Genome position (GRCh38, 1-based): chr9:95,907,198, G>C. VCF-style: chr9-95907198-G-C. GRCh37 (hg19) VCF-style: chr9-98669480-G-C.
Other names: c.715G>C, p.Val239Leu (NM_001010895.4, NM_001375291.1, NM_001375292.1 and 2 more transcripts); short protein forms V239L.
Identifiers: ClinVar variation 1717298 (VCV001717298.5), dbSNP rs776612926, ClinGen allele CA374121059.

ClinVar aggregate classification (germline): Uncertain significance (1 of 4 stars; one submission).

Submission:

Labcorp Genetics (formerly Invitae), Labcorp
Classification: Uncertain significance. Last evaluated: 2022-08-21. Review status: criteria provided, single submitter. Criteria: Invitae Variant Classification Sherloc (09022015). Collection method: clinical testing. Allele origin: germline.
Comment: Algorithms developed to predict the effect of missense changes on protein structure and function output the following: SIFT: "Tolerated"; PolyPhen-2: "Not Available"; Align-GVGD: "Class C0". The leucine amino acid residue is found in multiple mammalian species, which suggests that this missense change does not adversely affect protein function. This variant has not been reported in the literature in individuals affected with ERCC6L2-related conditions. This variant is not present in population databases (gnomAD no frequency). This sequence change replaces valine, which is neutral and non-polar, with leucine, which is neutral and non-polar, at codon 250 of the ERCC6L2 protein (p.Val250Leu). In summary, the available evidence is currently insufficient to determine the role of this variant in disease. Therefore, it has been classified as a Variant of Uncertain Significance.